The following is an entry in ClinVar:

NM_020461.4(TUBGCP6):c.3272G>C (p.Gly1091Ala)

Gene: TUBGCP6 (tubulin gamma complex component 6; minus strand). Cytogenetic location: 22q13.33.
Variant type: single nucleotide variant.
Coding change: c.3272G>C on transcript NM_020461.4 (MANE Select); coding-DNA position 3272, G replaced by C.
Protein change: p.Gly1091Ala; replaces glycine 1091 with alanine.
Molecular consequence: missense variant.
Genome position (GRCh38, 1-based): chr22:50,221,087, C>G on the plus strand (G>C on the coding strand, the complement: TUBGCP6 is on the minus strand). VCF-style: chr22-50221087-C-G. GRCh37 (hg19) VCF-style: chr22-50659516-C-G.
Other names: short protein forms G1091A.
Identifiers: ClinVar variation 834132 (VCV000834132.9), dbSNP rs2064514558, ClinGen allele CA412183859.

ClinVar aggregate classification (germline): Uncertain significance (1 of 4 stars; one submission).

Allele frequency attached by ClinVar (database versions not stated): gnomAD exomes below 0.00001.
gnomAD v4.1: 3 of 1,613,344 alleles (0.00019%); highest among the groups gnomAD compares: Middle Eastern, 0.05%; no homozygotes.

Submission:

Labcorp Genetics (formerly Invitae), Labcorp
Classification: Uncertain significance. Last evaluated: 2022-02-04. Review status: criteria provided, single submitter. Criteria: Invitae Variant Classification Sherloc (09022015). Collection method: clinical testing. Allele origin: germline.
Comment: In summary, the available evidence is currently insufficient to determine the role of this variant in disease. Therefore, it has been classified as a Variant of Uncertain Significance. Algorithms developed to predict the effect of missense changes on protein structure and function are either unavailable or do not agree on the potential impact of this missense change (SIFT: "Tolerated"; PolyPhen-2: "Probably Damaging"; Align-GVGD: "Class C0"). ClinVar contains an entry for this variant (Variation ID: 834132). This variant has not been reported in the literature in individuals affected with TUBGCP6-related conditions. This variant is not present in population databases (gnomAD no frequency). This sequence change replaces glycine, which is neutral and non-polar, with alanine, which is neutral and non-polar, at codon 1091 of the TUBGCP6 protein (p.Gly1091Ala).